The following is an entry in ClinVar:

NM_057175.5(NAA15):c.2178A>C (p.Leu726Phe)

Gene: NAA15 (N-alpha-acetyltransferase 15, NatA auxiliary subunit; plus strand). Cytogenetic location: 4q31.1.
Variant type: single nucleotide variant.
Coding change: c.2178A>C on transcript NM_057175.5 (MANE Select); coding-DNA position 2178, A replaced by C.
Protein change: p.Leu726Phe; replaces leucine 726 with phenylalanine.
Molecular consequence: missense variant.
Genome position (GRCh38, 1-based): chr4:139,384,854, A>C. VCF-style: chr4-139384854-A-C. GRCh37 (hg19) VCF-style: chr4-140306008-A-C.
Other names: c.2175A>C, p.Leu725Phe (NM_001410842.1); short protein forms L725F, L726F.
Identifiers: ClinVar variation 3345674 (VCV003345674.1).

ClinVar aggregate classification (germline): Uncertain significance (0 of 4 stars; one submission).

Conditions:
NAA15-related disorder.

Submission:

PreventionGenetics, part of Exact Sciences
Classification: Uncertain significance for NAA15-related condition. Last evaluated: 2024-09-25. Review status: no assertion criteria provided. Collection method: clinical testing. Allele origin: germline.
Comment: The NAA15 c.2178A>C variant is predicted to result in the amino acid substitution p.Leu726Phe. To our knowledge, this variant has not been reported in the literature or in a large population database, indicating this variant is rare. At this time, the clinical significance of this variant is uncertain due to the absence of conclusive functional and genetic evidence.